The following is an entry in ClinVar:

ClinVar aggregate classification (germline): Conflicting classifications of pathogenicity. Review status: criteria provided, conflicting classifications (1 of 4 stars). 3 submissions from 3 submitters: Likely pathogenic (1); Uncertain significance (2). Last evaluated 2024-03-01.

Conditions:
Polyglandular autoimmune syndrome, type 1 (APS1). Also called: Autoimmune polyendocrinopathy syndrome , type I, with or without reversible metaphyseal dysplasia; AUTOIMMUNE POLYENDOCRINE SYNDROME, TYPE I, WITH OR WITHOUT REVERSIBLE METAPHYSEAL DYSPLASIA; Autoimmune polyendocrinopathy syndrome, type I; PGA I; APS I; Whitaker syndrome. Identifiers: Orphanet 3453, MedGen C0085859, MONDO:0009411, OMIM 240300.

Allele frequency attached by ClinVar (database versions not stated): gnomAD exomes below 0.00001; ExAC 0.00001.
gnomAD v4.1: 2 of 1,612,112 alleles (0.00012%); highest among the groups gnomAD compares: African/African-American, 0.0013%; no homozygotes.

Submissions (3):

Labcorp Genetics (formerly Invitae), Labcorp
Classification: Uncertain significance for Polyglandular autoimmune syndrome, type 1. Last evaluated: 2024-03-01. Review status: criteria provided, single submitter. Criteria: Invitae Variant Classification Sherloc (09022015). Collection method: clinical testing. Allele origin: germline.
Comment: This sequence change replaces glycine, which is neutral and non-polar, with arginine, which is basic and polar, at codon 306 of the AIRE protein (p.Gly306Arg). This variant is present in population databases (rs754932526, gnomAD 0.007%). This missense change has been observed in individual(s) with AIRE-related conditions (PMID: 34008892). ClinVar contains an entry for this variant (Variation ID: 1217643). Advanced modeling of protein sequence and biophysical properties (such as structural, functional, and spatial information, amino acid conservation, physicochemical variation, residue mobility, and thermodynamic stability) performed at Invitae indicates that this missense variant is expected to disrupt AIRE protein function with a positive predictive value of 95%. In summary, the available evidence is currently insufficient to determine the role of this variant in disease. Therefore, it has been classified as a Variant of Uncertain Significance.

Laboratory of Medical Genetics, National & Kapodistrian University of Athens
Classification: Likely pathogenic for Polyglandular autoimmune syndrome, type 1. Last evaluated: 2021-10-01. Review status: criteria provided, single submitter. Criteria: ACMG Guidelines, 2015. Collection method: clinical testing. Allele origin: maternal. Affected: yes.
Comment: PM1, PM2, PP3, PP4

GeneDx
Classification: Uncertain significance. Last evaluated: 2020-06-03. Review status: criteria provided, single submitter. Criteria: GeneDx Variant Classification Process June 2021. Collection method: clinical testing. Allele origin: germline. Affected: yes.
Comment: In silico analysis supports that this missense variant has a deleterious effect on protein structure/function; Has not been previously published as pathogenic or benign to our knowledge

Literature cited by the submitters: PubMed 34008892 (cited by Labcorp Genetics (formerly Invitae), Labcorp and Laboratory of Medical Genetics, National & Kapodistrian University of Athens).

NM_000383.4(AIRE):c.916G>A (p.Gly306Arg)

Gene: AIRE (autoimmune regulator; plus strand). Cytogenetic location: 21q22.3.
Variant type: single nucleotide variant.
Coding change: c.916G>A on transcript NM_000383.4 (MANE Select); coding-DNA position 916, G replaced by A.
Protein change: p.Gly306Arg; replaces glycine 306 with arginine.
Molecular consequence: missense variant.
Genome position (GRCh38, 1-based): chr21:44,291,131, G>A. VCF-style: chr21-44291131-G-A. GRCh37 (hg19) VCF-style: chr21-45711014-G-A.
Other names: short protein forms G306R.
Identifiers: ClinVar variation 1217643 (VCV001217643.7), dbSNP rs754932526, ClinGen allele CA10051858.